The following is an entry in ClinVar:

ClinVar aggregate classification (germline): Likely benign (0 of 4 stars; one submission).

Conditions:
Familial cancer of breast. Also called: BREAST CANCER, FAMILIAL; hereditary breast carcinoma; Hereditary breast cancer. Identifiers: Orphanet 227535, MedGen C0346153, MONDO:0016419, OMIM 114480. Disease mechanism: loss of function.

Submission:

Leiden Open Variation Database
Classification: Likely benign for Familial cancer of breast. Last evaluated: 2019-05-13. Review status: no assertion criteria provided. Collection method: curation. Allele origin: germline. Affected: yes.
Comment: Curators: Marc Tischkowitz, Arleen D. Auerbach. Submitter to LOVD: Marc Tischkowitz.

Literature cited by the submitters: PubMed 17287723.

NM_024675.4(PALB2):c.1685-70T>G

Gene: PALB2 (partner and localizer of BRCA2; minus strand). Cytogenetic location: 16p12.2.
Variant type: single nucleotide variant.
Coding change: c.1685-70T>G on transcript NM_024675.4 (MANE Select); 70 bases into the intron before coding-DNA position 1685, T replaced by G.
Molecular consequence: intron variant.
Genome position (GRCh38, 1-based): chr16:23,630,539, A>C on the plus strand (T>G on the coding strand, the complement: PALB2 is on the minus strand). VCF-style: chr16-23630539-A-C. GRCh37 (hg19) VCF-style: chr16-23641860-A-C.
Identifiers: ClinVar variation 126621 (VCV000126621.3), dbSNP rs180177109, ClinGen allele CA269511.